The following is an entry in ClinVar:

ClinVar aggregate classification (germline): Benign/Likely benign. Review status: criteria provided, multiple submitters, no conflicts (2 of 4 stars). 4 submissions from 4 submitters: Benign (1); Likely benign (2). 1 of the submissions does not count toward it. Last evaluated 2025-10-19.

Conditions:
2-aminoadipic 2-oxoadipic aciduria (AAKAD). Also called: ALPHA-AMINOADIPIC AND ALPHA-KETOADIPIC ACIDURIA; Aminoadipic aciduria. Identifiers: Orphanet 79154, MedGen C1859817, MONDO:0008774, OMIM 204750.
DHTKD1-related disorder. Also called: DHTKD1-related condition.
Inborn genetic diseases. Identifiers: MedGen C0950123, MeSH D030342.

Allele frequency attached by ClinVar (database versions not stated): gnomAD 0.00001 and 0.00032; TOPMed 0.00006; gnomAD exomes 0.00058 and 0.00101; ExAC 0.00105; 1000 Genomes Project 30x 0.00234; 1000 Genomes Project 0.00240.
gnomAD v4.1: 887 of 1,612,718 alleles (0.055%); highest among the groups gnomAD compares: South Asian, 0.88%; 16 homozygotes.

Submissions (4):

Labcorp Genetics (formerly Invitae), Labcorp
Classification: Benign for 2-aminoadipic 2-oxoadipic aciduria. Last evaluated: 2025-10-19. Review status: criteria provided, single submitter. Criteria: Invitae Variant Classification Sherloc (09022015). Collection method: clinical testing. Allele origin: germline.

CeGaT Center for Human Genetics Tuebingen
Classification: Likely benign. Last evaluated: 2025-06-01. Review status: criteria provided, single submitter. Criteria: CeGaT Center For Human Genetics Tuebingen Variant Classification Criteria Version 2. Collection method: clinical testing. Allele origin: germline. Affected: yes. Observed: 1 variant allele.
Comment: DHTKD1: BP4, BS2

Ambry Genetics
Classification: Likely benign for Inborn genetic diseases. Last evaluated: 2024-08-20. Review status: criteria provided, single submitter. Criteria: Ambry Variant Classification Scheme 2023. Collection method: clinical testing. Allele origin: germline.

PreventionGenetics, part of Exact Sciences
Classification: Benign for DHTKD1-related condition. Last evaluated: 2019-04-22. Review status: no assertion criteria provided. Collection method: clinical testing. Allele origin: germline. Not counted in ClinVar's aggregate classification.
Comment: This variant is classified as benign based on ACMG/AMP sequence variant interpretation guidelines (Richards et al. 2015 PMID: 25741868, with internal and published modifications).

NM_018706.7(DHTKD1):c.1641G>A (p.Met547Ile)

Gene: DHTKD1 (dehydrogenase E1 and transketolase domain containing 1; plus strand). Cytogenetic location: 10p14.
Variant type: single nucleotide variant.
Coding change: c.1641G>A on transcript NM_018706.7 (MANE Select); coding-DNA position 1641, G replaced by A.
Protein change: p.Met547Ile; replaces methionine 547 with isoleucine.
Molecular consequence: missense variant.
Genome position (GRCh38, 1-based): chr10:12,097,966, G>A. VCF-style: chr10-12097966-G-A. GRCh37 (hg19) VCF-style: chr10-12139965-G-A.
Other names: c.1641G>A (NM_018706.5); short protein forms M547I.
Identifiers: ClinVar variation 779601 (VCV000779601.23), dbSNP rs561793789, ClinGen allele CA5407902.